The following is an entry in ClinVar:

NM_005271.5(GLUD1):c.1060-10T>A

Gene: GLUD1 (glutamate dehydrogenase 1; minus strand). Cytogenetic location: 10q23.2.
Variant type: single nucleotide variant.
Coding change: c.1060-10T>A on transcript NM_005271.5 (MANE Select); 10 bases into the intron before coding-DNA position 1060, T replaced by A.
Molecular consequence: intron variant.
Genome position (GRCh38, 1-based): chr10:87,060,835, A>T on the plus strand (T>A on the coding strand, the complement: GLUD1 is on the minus strand). VCF-style: chr10-87060835-A-T. GRCh37 (hg19) VCF-style: chr10-88820592-A-T.
Other names: p.?; c.559-10T>A (NM_001318906.2, NM_001318904.2, NM_001318905.2 and 2 more transcripts); c.661-10T>A (NM_001318900.1).
Identifiers: ClinVar variation 129162 (VCV000129162.24), dbSNP rs17096421, ClinGen allele CA152994.

ClinVar aggregate classification (germline): Benign. Review status: criteria provided, multiple submitters, no conflicts (2 of 4 stars). 9 submissions from 9 submitters: Benign (9). Last evaluated 2026-02-01.

Conditions:
Hyperinsulinism-hyperammonemia syndrome (HHF6). Identifiers: Orphanet 35878, MedGen C1847555, MONDO:0011717, OMIM 606762.

Allele frequency attached by ClinVar (database versions not stated): 1000 Genomes Project 0.01198; 1000 Genomes Project 30x 0.01234; TOPMed 0.02950; gnomAD exomes 0.02991 and 0.04656; ExAC 0.02992; gnomAD 0.03057 and 0.03225; ESP Exome Variant Server 0.03793.
gnomAD v4.1: 72,426 of 1,614,148 alleles (4.5%); highest among the groups gnomAD compares: Non-Finnish European, 5.4%; 2,019 homozygotes.

Submissions (9):

Labcorp Genetics (formerly Invitae), Labcorp
Classification: Benign for Hyperinsulinism-hyperammonemia syndrome. Last evaluated: 2026-02-01. Review status: criteria provided, single submitter. Criteria: Invitae Variant Classification Sherloc (09022015). Collection method: clinical testing. Allele origin: germline.

Blueprint Genetics
Classification: Benign. Last evaluated: 2024-11-27. Review status: criteria provided, single submitter. Criteria: ACMG Guidelines, 2015. Collection method: clinical testing. Allele origin: germline.

Mayo Clinic Laboratories, Mayo Clinic
Classification: Benign. Last evaluated: 2021-04-12. Review status: criteria provided, single submitter. Criteria: ACMG Guidelines, 2015. Collection method: clinical testing. Allele origin: germline. Observed: 7 variant alleles.

Illumina Laboratory Services, Illumina
Classification: Benign for Hyperinsulinism-hyperammonemia syndrome. Last evaluated: 2018-01-13. Review status: criteria provided, single submitter. Criteria: ICSL Variant Classification Criteria 13 December 2019. Collection method: clinical testing. Allele origin: germline.
Comment: This variant was observed in the ICSL laboratory as part of a predisposition screen in an ostensibly healthy population. It had not been previously curated by ICSL or reported in the Human Gene Mutation Database (HGMD: prior to June 1st, 2018), and was therefore a candidate for classification through an automated scoring system. Utilizing variant allele frequency, disease prevalence and penetrance estimates, and inheritance mode, an automated score was calculated to assess if this variant is too frequent to cause the disease. Based on the score and internal cut-off values, a variant classified as benign is not then subjected to further curation. The score for this variant resulted in a classification of benign for this disease.

Athena Diagnostics
Classification: Benign. Last evaluated: 2017-11-20. Review status: criteria provided, single submitter. Criteria: Athena Diagnostics Criteria. Collection method: clinical testing. Allele origin: germline.

GeneDx
Classification: Benign. Last evaluated: 2015-03-03. Review status: criteria provided, single submitter. Criteria: GeneDx Variant Classification Process June 2021. Collection method: clinical testing. Allele origin: germline. Affected: yes.

Genetic Services Laboratory, University of Chicago
Classification: Benign for AllHighlyPenetrant. Last evaluated: 2013-03-04. Review status: criteria provided, single submitter. Criteria: ACMG Guidelines, 2007. Collection method: clinical testing. Allele origin: germline. Inheritance: Autosomal dominant inheritance.

Breakthrough Genomics
Classification: Benign. Review status: criteria provided, single submitter. Criteria: ACMG Guidelines, 2015. Collection method: not provided. Allele origin: germline. Inheritance: Autosomal dominant inheritance. Affected: yes.

PreventionGenetics, part of Exact Sciences
Classification: Benign. Review status: criteria provided, single submitter. Criteria: ACMG Guidelines, 2015. Collection method: clinical testing. Allele origin: germline.